The following is an entry in ClinVar:

ClinVar aggregate classification (germline): Uncertain significance (1 of 4 stars; one submission).

Conditions:
Episodic ataxia type 1 (EA1). Also called: Episodic ataxia/myokymia syndrome; ATAXIA, EPISODIC, WITH MYOKYMIA; MYOKYMIA WITH PERIODIC ATAXIA; PAROXYSMAL ATAXIA WITH NEUROMYOTONIA, HEREDITARY. Identifiers: Orphanet 37612, Orphanet 972, MedGen C1719788, MONDO:0008047, OMIM 160120.

Submission:

Labcorp Genetics (formerly Invitae), Labcorp
Classification: Uncertain significance for Episodic ataxia type 1. Last evaluated: 2024-10-16. Review status: criteria provided, single submitter. Criteria: Invitae Variant Classification Sherloc (09022015). Collection method: clinical testing. Allele origin: germline.
Comment: This sequence change replaces proline, which is neutral and non-polar, with serine, which is neutral and polar, at codon 433 of the KCNA1 protein (p.Pro433Ser). This variant is not present in population databases (gnomAD no frequency). This variant has not been reported in the literature in individuals affected with KCNA1-related conditions. ClinVar contains an entry for this variant (Variation ID: 2164233). Invitae Evidence Modeling of protein sequence and biophysical properties (such as structural, functional, and spatial information, amino acid conservation, physicochemical variation, residue mobility, and thermodynamic stability) indicates that this missense variant is not expected to disrupt KCNA1 protein function with a negative predictive value of 80%. In summary, the available evidence is currently insufficient to determine the role of this variant in disease. Therefore, it has been classified as a Variant of Uncertain Significance.

NM_000217.3(KCNA1):c.1297C>T (p.Pro433Ser)

Gene: KCNA1 (potassium voltage-gated channel subfamily A member 1; plus strand). Cytogenetic location: 12p13.32.
Variant type: single nucleotide variant.
Coding change: c.1297C>T on transcript NM_000217.3 (MANE Select); coding-DNA position 1297, C replaced by T.
Protein change: p.Pro433Ser; replaces proline 433 with serine.
Molecular consequence: missense variant.
Genome position (GRCh38, 1-based): chr12:4,912,675, C>T. VCF-style: chr12-4912675-C-T. GRCh37 (hg19) VCF-style: chr12-5021841-C-T.
Other names: short protein forms P433S.
Identifiers: ClinVar variation 2164233 (VCV002164233.4), dbSNP rs532197467, ClinGen allele CA383456468.